The following is an entry in ClinVar:

ClinVar aggregate classification (germline): Uncertain significance (1 of 4 stars; one submission).

Conditions:
Cardiovascular phenotype. Identifiers: MedGen CN230736.

Submission:

Ambry Genetics
Classification: Uncertain significance for Cardiovascular phenotype. Last evaluated: 2026-07-04. Review status: criteria provided, single submitter. Criteria: Ambry Variant Classification Scheme 2023. Collection method: clinical testing. Allele origin: germline.
Comment: The p.D870N variant (also known as c.2608G>A), located in coding exon 1 of the ZNF469 gene, results from a G to A substitution at nucleotide position 2608. The aspartic acid at codon 870 is replaced by asparagine, an amino acid with highly similar properties. This amino acid position is conserved. In addition, this alteration is predicted to be tolerated by in silico analysis. Based on the available evidence, the clinical significance of this variant remains unclear.

NM_001367624.2(ZNF469):c.2608G>A (p.Asp870Asn)

Gene: ZNF469 (zinc finger protein 469; plus strand). Cytogenetic location: 16q24.2.
Variant type: single nucleotide variant.
Coding change: c.2608G>A on transcript NM_001367624.2 (MANE Select); coding-DNA position 2608, G replaced by A.
Protein change: p.Asp870Asn; replaces aspartic acid 870 with asparagine.
Molecular consequence: missense variant.
Genome position (GRCh38, 1-based): chr16:88,430,078, G>A. VCF-style: chr16-88430078-G-A. GRCh37 (hg19) VCF-style: chr16-88496486-G-A.
Other names: NM_001127464.1:c.2608G>A; short protein forms D870N.
Identifiers: ClinVar variation 5032212 (VCV005032212.1).
Genomic context (GRCh38, chr16:88,430,078, plus strand): 5'-GGCATGGAGTACCAGTCGGACAACCCGGAGATCGACAGCAGCTTCATCGACGTCTTCGCG[G>A]ACGAGGAGCCTTCCGGCCCCAGAGGTCCCAGCTCCGGACACCCCCTTAAGAGCAAGGCGG-3'
Protein context (NP_001354553.1, residues 860-880): IDSSFIDVFA[Asp870Asn]EEPSGPRGPS